The following is an entry in ClinVar:

ClinVar aggregate classification (germline): Benign. Review status: criteria provided, multiple submitters, no conflicts (2 of 4 stars). 2 submissions from 2 submitters: Benign (2). Last evaluated 2018-01-12.

Conditions:
Nemaline myopathy 6 (NEM6). Also called: Nemaline myopathy 6, autosomal dominant. Identifiers: Orphanet 171439, MedGen C1836472, MONDO:0012237, OMIM 609273.

Allele frequency attached by ClinVar (database versions not stated): 1000 Genomes Project 30x 0.37992; gnomAD 0.40070 and 0.40463; 1000 Genomes Project 0.38319; TOPMed 0.39021.

Submissions (2):

Illumina Laboratory Services, Illumina
Classification: Benign for Nemaline myopathy 6. Last evaluated: 2018-01-12. Review status: criteria provided, single submitter. Criteria: ICSL Variant Classification Criteria 13 December 2019. Collection method: clinical testing. Allele origin: germline.
Comment: This variant was observed in the ICSL laboratory as part of a predisposition screen in an ostensibly healthy population. It had not been previously curated by ICSL or reported in the Human Gene Mutation Database (HGMD: prior to June 1st, 2018), and was therefore a candidate for classification through an automated scoring system. Utilizing variant allele frequency, disease prevalence and penetrance estimates, and inheritance mode, an automated score was calculated to assess if this variant is too frequent to cause the disease. Based on the score and internal cut-off values, a variant classified as benign is not then subjected to further curation. The score for this variant resulted in a classification of benign for this disease.

Breakthrough Genomics
Classification: Benign. Review status: criteria provided, single submitter. Criteria: ACMG Guidelines, 2015. Collection method: not provided. Allele origin: germline. Inheritance: Autosomal dominant inheritance. Affected: yes.

NM_001101362.3(KBTBD13):c.*897A>G

Gene: KBTBD13 (kelch repeat and BTB domain containing 13; plus strand). Cytogenetic location: 15q22.31.
Variant type: single nucleotide variant.
Coding change: c.*897A>G on transcript NM_001101362.3 (MANE Select); 897 bases downstream of the stop codon, A replaced by G.
Molecular consequence: 3 prime UTR variant.
Genome position (GRCh38, 1-based): chr15:65,079,089, A>G. VCF-style: chr15-65079089-A-G. GRCh37 (hg19) VCF-style: chr15-65371427-A-G.
Identifiers: ClinVar variation 316764 (VCV000316764.6), dbSNP rs12905499, ClinGen allele CA10647266.